The following is an entry in ClinVar:

NM_001270508.2(TNFAIP3):c.1798G>T (p.Asp600Tyr)

Gene: TNFAIP3 (TNF alpha induced protein 3; plus strand). Cytogenetic location: 6q23.3.
Variant type: single nucleotide variant.
Coding change: c.1798G>T on transcript NM_001270508.2 (MANE Select); coding-DNA position 1798, G replaced by T.
Protein change: p.Asp600Tyr; replaces aspartic acid 600 with tyrosine.
Molecular consequence: missense variant.
Genome position (GRCh38, 1-based): chr6:137,879,243, G>T. VCF-style: chr6-137879243-G-T. GRCh37 (hg19) VCF-style: chr6-138200380-G-T.
Other names: c.1798G>T, p.Asp600Tyr (NM_001270507.2, NM_006290.4); short protein forms D600Y.
Identifiers: ClinVar variation 4745092 (VCV004745092.1).

ClinVar aggregate classification (germline): Uncertain significance (1 of 4 stars; one submission).

gnomAD v4.1: 3 of 1,614,092 alleles (0.00019%); highest among the groups gnomAD compares: East Asian, 0.0022%; no homozygotes.

Submission:

Labcorp Genetics (formerly Invitae), Labcorp
Classification: Uncertain significance. Last evaluated: 2025-10-29. Review status: criteria provided, single submitter. Criteria: Invitae Variant Classification Sherloc (09022015). Collection method: clinical testing. Allele origin: germline.
Comment: This sequence change replaces aspartic acid, which is acidic and polar, with tyrosine, which is neutral and polar, at codon 600 of the TNFAIP3 protein (p.Asp600Tyr). This variant is present in population databases (rs759454764, gnomAD 0.003%). This variant has not been reported in the literature in individuals affected with TNFAIP3-related conditions. Invitae Evidence Modeling of protein sequence and biophysical properties (such as structural, functional, and spatial information, amino acid conservation, physicochemical variation, residue mobility, and thermodynamic stability) indicates that this missense variant is not expected to disrupt TNFAIP3 protein function with a negative predictive value of 80%. In summary, the available evidence is currently insufficient to determine the role of this variant in disease. Therefore, it has been classified as a Variant of Uncertain Significance.